The following is an entry in ClinVar:

ClinVar aggregate classification (germline): Conflicting classifications of pathogenicity. Review status: criteria provided, conflicting classifications (1 of 4 stars). 8 submissions from 8 submitters: Likely pathogenic (2); Uncertain significance (5). 1 of the submissions does not count toward it. Last evaluated 2026-07-08.

Conditions:
ABCC8-related disorder.
Hyperinsulinemic hypoglycemia, familial, 1 (HHF1). Also called: Persistent Hyperinsulinemia Hypoglycemia of Infancy; Persistent hyperinsulinemic hypoglycemia of infancy; HYPERINSULINISM, FAMILIAL, WITH PANCREATIC NESIDIOBLASTOSIS; HYPOGLYCEMIA, HYPERINSULINEMIC, OF INFANCY; NESIDIOBLASTOSIS OF PANCREAS. Identifiers: Orphanet 276575, Orphanet 276598, MedGen C2931832, MONDO:0009734, OMIM 256450.
Type 2 diabetes mellitus. Also called: Type II diabetes mellitus. Identifiers: MedGen C0011860, MeSH D003924, MONDO:0005148, OMIM 125853, HP:0005978.
Hereditary hyperinsulinism.
Leucine-induced hypoglycemia (LIH). Also called: LEUCINE-SENSITIVE HYPOGLYCEMIA OF INFANCY. Identifiers: MedGen C0271714, MONDO:0009415, OMIM 240800.
Diabetes mellitus, transient neonatal, 2 (TNDM2). Identifiers: Orphanet 99886, MedGen C1835887, MONDO:0012480, OMIM 610374. Disease mechanism: loss of function.
Diabetes mellitus, permanent neonatal 3. Also called: ABCC8-Related Permanent Neonatal Diabetes Mellitus. Identifiers: MedGen C5394303, MONDO:0030088, OMIM 618857.

Allele frequency attached by ClinVar (database versions not stated): gnomAD exomes below 0.00001 and 0.00001; gnomAD 0.00003; TOPMed 0.00003.

Submissions (8):

PreventionGenetics, part of Exact Sciences
Classification: Uncertain significance for ABCC8-related condition. Last evaluated: 2026-07-08. Review status: criteria provided, single submitter. Criteria: ACMG Guidelines, 2015. Collection method: clinical testing. Allele origin: germline.
Comment: The ABCC8 c.1484G>A variant is predicted to result in the amino acid substitution p.Arg495Gln. This variant has been reported in the presumed compound heterozygous state with a pathogenic ABCC8 variant (p.Arg1214Gln) in an individual with neonatal-onset diffuse congenital hyperinsulinism (CHI; Henwood et al. 2005. PubMed ID: 15562009). This variant has also been reported in the compound heterozygous state with an ABCC8 variant of uncertain significance (p.Cys1491Arg) and as a single heterozygous variant in two individuals with neonatal-onset CHI who achieved spontaneous remission prior to age two (Xu et al. 2021. PubMed ID: 33502730; Globa et al. 2024. PubMed ID: 39741883). This variant has also been reported in a cohort of individuals with suspected monogenic diabetes; however, no patient-specific information was provided (Table S2, Donath et al. 2019. PubMed ID: 31291970). In vitro experimental studies in COS cells expressing the hamster ortholog of the ABCC8/SUR1 protein suggested that this variant may cause intracellular retention leading to reduced cell-surface expression and reduced potassium channel activity (Figures S1 & S2, Yan et al. 2007. PubMed ID: 17575084). This variant is reported in 0.00088% of alleles in individuals of European (Non-Finnish) descent in gnomAD. Although we suspect that this variant may be pathogenic, the clinical significance of this variant is uncertain at this time due to the absence of conclusive functional and genetic evidence.

Natera, Inc.
Classification: Likely pathogenic for Hereditary hyperinsulinism. Last evaluated: 2025-12-26. Review status: criteria provided, single submitter. Criteria: Natera Variant Classification Schema (03/2026). Collection method: clinical testing. Allele origin: germline.
Comment: The c.1484G>A variant in ABCC8 is a missense variant predicted to cause substitution of arginine to glutamine at amino acid 495. This variant is rare in the general population with a frequency below the threshold expected for the associated phenotype(s). This variant has been observed in one or more individuals affected with the associated recessive disease, as either homozygous or compound heterozygous with a second variant (PMID: 23275527). Functional studies show that this variant may disrupt protein function (PMID: 17575084). Computational prediction algorithms indicate this variant is likely to affect gene or protein function. Given the available evidence, this variant is classified as Likely Pathogenic.

Labcorp Genetics (formerly Invitae), Labcorp
Classification: Uncertain significance. Last evaluated: 2025-07-16. Review status: criteria provided, single submitter. Criteria: Invitae Variant Classification Sherloc (09022015). Collection method: clinical testing. Allele origin: germline.
Comment: This sequence change replaces arginine, which is basic and polar, with glutamine, which is neutral and polar, at codon 495 of the ABCC8 protein (p.Arg495Gln). This variant is present in population databases (no rsID available, gnomAD 0.003%). This missense change has been observed in individual(s) with autosomal recessive diffuse hyperinsulinism (PMID: 14715863, 15562009, 25008049, 31291970). ClinVar contains an entry for this variant (Variation ID: 554963). Invitae Evidence Modeling of protein sequence and biophysical properties (such as structural, functional, and spatial information, amino acid conservation, physicochemical variation, residue mobility, and thermodynamic stability) indicates that this missense variant is expected to disrupt ABCC8 protein function with a positive predictive value of 95%. Experimental studies have shown that this missense change affects ABCC8 function (PMID: 17575084). In summary, the available evidence is currently insufficient to determine the role of this variant in disease. Therefore, it has been classified as a Variant of Uncertain Significance.

Revvity Omics, Revvity
Classification: Uncertain significance. Last evaluated: 2024-09-06. Review status: criteria provided, single submitter. Criteria: ACMG Guidelines, 2015. Collection method: clinical testing. Allele origin: germline.

Fulgent Genetics
Classification: Uncertain significance for Type 2 diabetes mellitus; Leucine-induced hypoglycemia; Hyperinsulinemic hypoglycemia, familial, 1; Diabetes mellitus, transient neonatal, 2; Diabetes mellitus, permanent neonatal 3. Last evaluated: 2024-04-25. Review status: criteria provided, single submitter. Criteria: ACMG Guidelines, 2015. Collection method: clinical testing. Allele origin: germline.

Baylor Genetics
Classification: Likely pathogenic for Type 2 diabetes mellitus. Last evaluated: 2024-03-25. Review status: criteria provided, single submitter. Criteria: ACMG Guidelines, 2015. Collection method: clinical testing. Allele origin: unknown.

Women's Health and Genetics/Laboratory Corporation of America, LabCorp
Classification: Uncertain significance. Last evaluated: 2023-02-14. Review status: criteria provided, single submitter. Criteria: LabCorp Variant Classification Summary - May 2015. Collection method: clinical testing. Allele origin: germline.
Comment: Variant summary: ABCC8 c.1484G>A (p.Arg495Gln) results in a conservative amino acid change located in the ABC transporter-like, ATP-binding domain (IPR003439) of the encoded protein sequence. Four of five in-silico tools predict a damaging effect of the variant on protein function. The variant allele was found at a frequency of 4e-06 in 250370 control chromosomes (gnomAD). The available data on variant occurrences in the general population are insufficient to allow any conclusion about variant significance. c.1484G>A has been reported in the literature in individuals affected with Familial Hyperinsulinism (example: Henwood_2005 and Su_2014). These data do not allow any conclusion about variant significance. At least one publication reports experimental evidence evaluating an impact on protein function, however, does not allow convincing conclusions about the variant effect (example: Yan_2007). One clinical diagnostic laboratory has submitted clinical-significance assessments for this variant to ClinVar after 2014 and classified the variant as uncertain significance. Based on the evidence outlined above, the variant was classified as uncertain significance.

Counsyl
Classification: Uncertain significance for Hyperinsulinemic hypoglycemia, familial, 1. Last evaluated: 2017-11-09. Review status: no assertion criteria provided. Collection method: clinical testing. Allele origin: unknown. Not counted in ClinVar's aggregate classification.

Literature cited by the submitters: PubMed 23275527 (cited by 3 submitters); PubMed 17575084 (cited by 4 submitters); PubMed 14715863 (cited by Labcorp Genetics (formerly Invitae), Labcorp and Women's Health and Genetics/Laboratory Corporation of America, LabCorp); PubMed 15562009 (cited by 3 submitters); PubMed 25008049 (cited by 3 submitters); PubMed 31291970 (cited by Labcorp Genetics (formerly Invitae), Labcorp and Women's Health and Genetics/Laboratory Corporation of America, LabCorp); PubMed 24434300 (cited by Women's Health and Genetics/Laboratory Corporation of America, LabCorp); PubMed 33502730 (cited by Women's Health and Genetics/Laboratory Corporation of America, LabCorp); PubMed 31727138 (cited by Women's Health and Genetics/Laboratory Corporation of America, LabCorp).

NM_000352.6(ABCC8):c.1484G>A (p.Arg495Gln)

Gene: ABCC8 (ATP binding cassette subfamily C member 8; minus strand). Cytogenetic location: 11p15.1.
Variant type: single nucleotide variant.
Coding change: c.1484G>A on transcript NM_000352.6 (MANE Select); coding-DNA position 1484, G replaced by A.
Protein change: p.Arg495Gln; replaces arginine 495 with glutamine.
Molecular consequence: missense variant. On other transcripts: non-coding transcript variant (1).
Genome position (GRCh38, 1-based): chr11:17,442,866, C>T on the plus strand (G>A on the coding strand, the complement: ABCC8 is on the minus strand). VCF-style: chr11-17442866-C-T. GRCh37 (hg19) VCF-style: chr11-17464413-C-T.
Other names: c.1484G>A, p.Arg495Gln (NM_001287174.3, NM_001351295.2); c.1481G>A, p.Arg494Gln (NM_001351296.2, NM_001351297.2); c.1484G>A (NM_000352.4, NM_000352.5); short protein forms R495Q, R494Q.
Identifiers: ClinVar variation 554963 (VCV000554963.13), dbSNP rs1420601296, ClinGen allele CA379766680.